The following is an entry in ClinVar:

ClinVar aggregate classification (germline): Uncertain significance (1 of 4 stars; one submission).

Conditions:
Retinitis pigmentosa 73 (RP73). Identifiers: Orphanet 791, MedGen C4225287, MONDO:0014687, OMIM 616544.
Mucopolysaccharidosis, MPS-III-C (MPS3C). Also called: MPS IIIC (Sanfilippo Syndrome Type C); MUCOPOLYSACCHARIDOSIS, TYPE IIIC; Mucopolysaccharidosis type IIIC (Sanfilippo C); SANFILIPPO SYNDROME C; MPS III C; mucopolysaccharidosis type 3C. Identifiers: Orphanet 581, Orphanet 79271, MedGen C0086649, MONDO:0009657, OMIM 252930.

Allele frequency attached by ClinVar (database versions not stated): gnomAD exomes below 0.00001.
gnomAD v4.1: 1 of 1,614,014 alleles (0.000062%); highest among the groups gnomAD compares: Admixed American, 0.0017%; no homozygotes.

Submission:

Labcorp Genetics (formerly Invitae), Labcorp
Classification: Uncertain significance for Retinitis pigmentosa 73; Mucopolysaccharidosis, MPS-III-C. Last evaluated: 2022-02-10. Review status: criteria provided, single submitter. Criteria: Invitae Variant Classification Sherloc (09022015). Collection method: clinical testing. Allele origin: germline.
Comment: This sequence change replaces leucine, which is neutral and non-polar, with methionine, which is neutral and non-polar, at codon 394 of the HGSNAT protein (p.Leu394Met). This variant is present in population databases (no rsID available, gnomAD 0.003%). This variant has not been reported in the literature in individuals affected with HGSNAT-related conditions. Advanced modeling of protein sequence and biophysical properties (such as structural, functional, and spatial information, amino acid conservation, physicochemical variation, residue mobility, and thermodynamic stability) performed at Invitae indicates that this missense variant is not expected to disrupt HGSNAT protein function. In summary, the available evidence is currently insufficient to determine the role of this variant in disease. Therefore, it has been classified as a Variant of Uncertain Significance.

NM_152419.3(HGSNAT):c.1180C>A (p.Leu394Met)

Gene: HGSNAT (heparan-alpha-glucosaminide N-acetyltransferase; plus strand). Cytogenetic location: 8p11.21.
Variant type: single nucleotide variant.
Coding change: c.1180C>A on transcript NM_152419.3 (MANE Select); coding-DNA position 1180, C replaced by A.
Protein change: p.Leu394Met; replaces leucine 394 with methionine.
Molecular consequence: missense variant.
Genome position (GRCh38, 1-based): chr8:43,191,525, C>A. VCF-style: chr8-43191525-C-A. GRCh37 (hg19) VCF-style: chr8-43046668-C-A.
Other names: c.1180C>A, p.Leu394Met (NM_001363227.2); c.988C>A, p.Leu330Met (NM_001363228.2); c.316C>A, p.Leu106Met (NM_001363229.2); short protein forms L330M, L106M, L394M.
Identifiers: ClinVar variation 1407031 (VCV001407031.6), dbSNP rs1335612982, ClinGen allele CA371119085.